The following is an entry in ClinVar:

NM_001323289.2(CDKL5):c.2635_2636del (p.Leu879fs)

Gene: CDKL5 (cyclin dependent kinase like 5; plus strand). Cytogenetic location: Xp22.13.
Variant type: Deletion.
Coding change: c.2635_2636del on transcript NM_001323289.2 (MANE Select); coding-DNA positions 2635 to 2636, 2 bases deleted (CT; older notation c.2635_2636delCT).
Protein change: p.Leu879fs; shifts the reading frame from leucine 879.
Molecular consequence: frameshift variant.
Genome position (GRCh38, 1-based): chrX:18,628,509-18,628,510, CT deleted. VCF-style (leftmost placement, unchanged base first): chrX-18628508-CCT-C. GRCh37 (hg19) VCF-style: chrX-18646628-CCT-C.
Other names: NM_001323289.2(CDKL5):c.2635_2636del; p.Leu879fs; c.2635_2636del, p.Leu879fs (NM_001037343.2, NM_003159.3); c.2635_2636delCT (NM_003159.2); short protein forms L879fs.
Identifiers: ClinVar variation 143809 (VCV000143809.43), dbSNP rs61753251, ClinGen allele CA171634.

ClinVar aggregate classification (germline): Pathogenic/Likely pathogenic. Review status: criteria provided, multiple submitters, no conflicts (2 of 4 stars). 12 submissions from 11 submitters: Pathogenic (8); Likely pathogenic (1). 3 of the submissions do not count toward it. Last evaluated 2025-11-04.

Conditions:
CDKL5 disorder. Identifiers: MedGen CN296942, MONDO:0100039.
Angelman syndrome-like. Identifiers: MedGen CN128785.
Developmental and epileptic encephalopathy, 2 (DEE2). Also called: CDKL5 deficiency disorder; INFANTILE SPASM SYNDROME, X-LINKED 2. Identifiers: Orphanet 1934, Orphanet 3451, Orphanet 505652, MedGen C4750718, MONDO:0010396, OMIM 300672.
Atypical Rett syndrome. Also called: Variant Rett Syndrome; Rett like syndrome. Identifiers: Orphanet 3095, MedGen C2748910, MONDO:0017746.
Seizure. Also called: Seizures. Identifiers: MedGen C0036572, HP:0001250.
CDKL5-related disorder.

Submissions (12):

3billion
Classification: Pathogenic for Developmental and epileptic encephalopathy, 2. Last evaluated: 2025-11-04. Review status: criteria provided, single submitter. Criteria: ACMG Guidelines, 2015. Collection method: clinical testing. Allele origin: germline. Affected: yes.
Comment: The variant is not observed in the gnomAD v4.1.0 dataset. Predicted Consequence/Location: Frameshift: predicted to result in a loss or disruption of normal protein function through protein truncation. The predicted truncated protein may be shortened by less than 10%. Functional studies provide moderate evidence of the variant having a damaging effect on the gene or gene product (PMID: 18790821). The variant has been observed in multiple (>3) similarly affected unrelated individuals (PMID: 15689447, 18790821, 22678952). The variant has been previously reported as assumed (i.e. paternity and maternity not confirmed) de novo in at least two similarly affected unrelated individuals (PMID: 22678952). The variant has been reported at least twice as pathogenic with clinical assertions and evidence for the classification (ClinVar ID: VCV000143809 /PMID: 15689447). Therefore, this variant is classified as Pathogenic according to the recommendation of ACMG/AMP guideline.

Cytogénomique, Hospices Civils de Lyon
Classification: Pathogenic for Seizure. Last evaluated: 2024-09-23. Review status: criteria provided, single submitter. Criteria: ACMG Guidelines, 2015. Collection method: clinical testing. Allele origin: de novo. Affected: yes.

Centre for Population Genomics, CPG
Classification: Pathogenic for CDKL5 disorder. Last evaluated: 2024-09-19. Review status: criteria provided, single submitter. Criteria: McKnight et al. (Hum Mutat. 2022). Collection method: curation. Allele origin: germline. Inheritance: X-linked inheritance.
Comment: This variant has been collected from RettBASE and curated to current modified ACMG/AMP criteria. Based on the classification scheme defined by the ClinGen Rett/Angelman-like Expert Panel for Rett/AS-like Disorders Specifications to the ACMG/AMP Variant Interpretation Guidelines VCEP 3.0, this variant is classified as pathogenic. At least the following criteria are met: Predicted to result in loss of function, and LOF is a known mechanism of disease (PVS1). This variant has been identified as a de novo occurrence in an individual with CDKL5 disorder without confirmation of paternity and maternity (PM6, PMID: 15689447). This variant is absent from gnomAD (PM2_Supporting).

Labcorp Genetics (formerly Invitae), Labcorp
Classification: Pathogenic for Developmental and epileptic encephalopathy, 2; Angelman syndrome-like. Last evaluated: 2024-03-12. Review status: criteria provided, single submitter. Criteria: Invitae Variant Classification Sherloc (09022015). Collection method: clinical testing. Allele origin: germline.
Comment: This sequence change creates a premature translational stop signal (p.Leu879Glufs*30) in the CDKL5 gene. While this is not anticipated to result in nonsense mediated decay, it is expected to disrupt the last 152 amino acid(s) of the CDKL5 protein. This variant is not present in population databases (gnomAD no frequency). This premature translational stop signal has been observed in individual(s) with clinical features of CDKL5 related conditions (PMID: 15689447, 18790821, 22678952). In at least one individual the variant was observed to be de novo. ClinVar contains an entry for this variant (Variation ID: 143809). Algorithms developed to predict the effect of variants on protein structure and function are not available or were not evaluated for this variant. Experimental studies have shown that this premature translational stop signal affects CDKL5 function (PMID: 15689447, 18790821). For these reasons, this variant has been classified as Pathogenic.

CeGaT Center for Human Genetics Tuebingen
Classification: Pathogenic. Last evaluated: 2023-09-01. Review status: criteria provided, single submitter. Criteria: CeGaT Center For Human Genetics Tuebingen Variant Classification Criteria Version 2. Collection method: clinical testing. Allele origin: germline. Affected: yes. Observed: 1 variant allele.
Comment: CDKL5: PVS1, PM2, PS4:Moderate

Blueprint Genetics
Classification: Pathogenic for CDKL5-related disorders. Last evaluated: 2019-07-04. Review status: criteria provided, single submitter. Criteria: ACMG Guidelines, 2015. Collection method: clinical testing. Allele origin: germline. Affected: yes. Observed: 1 variant allele.

NeuroMeGen, Hospital Clinico Santiago de Compostela
Classification: Likely pathogenic for Developmental and epileptic encephalopathy, 2. Last evaluated: 2018-01-01. Review status: criteria provided, single submitter. Criteria: ACMG Guidelines, 2015. Collection method: clinical testing. Allele origin: de novo. Affected: yes. Observed: 1 heterozygote.

GeneDx
Classification: Pathogenic. Last evaluated: 2013-09-30. Review status: criteria provided, single submitter. Criteria: GeneDx Variant Classification (06012015). Collection method: clinical testing. Allele origin: germline. Affected: yes.
Comment: The deletion causes a frameshift starting with codon Leucine 879, changes this amino acid to a Glutamic acid residue and creates a premature Stop codon at position 30 of the new reading frame, denoted p.Leu879GlufsX30. This mutation is predicted to cause loss of normal protein function either through protein truncation or nonsense-mediated mRNA decay, and is consistent with the diagnosis of a CDKL5-related disorder. The variant is found in EPILEPSY panel(s).

Genetic Services Laboratory, University of Chicago
Classification: Pathogenic for Epileptic encephalopathy, early infantile, 2. Last evaluated: 2013-02-08. Review status: criteria provided, single submitter. Criteria: ACMG Guidelines, 2007. Collection method: clinical testing. Allele origin: germline. Inheritance: X-linked inheritance. Affected: yes.

RettBASE
Classification: Pathogenic for Atypical Rett syndrome. Last evaluated: 2014-03-13. Review status: no assertion criteria provided. Collection method: curation. Allele origin: de novo, unknown. Affected: yes. Observed: 2 variant alleles. Not counted in ClinVar's aggregate classification.

RettBASE
Classification: Pathogenic for Epileptic encephalopathy, early infantile, 2. Last evaluated: 2014-03-13. Review status: no assertion criteria provided. Collection method: curation. Allele origin: de novo. Affected: yes. Observed: 2 variant alleles. Not counted in ClinVar's aggregate classification.

OMIM
Classification: Pathogenic for DEVELOPMENTAL AND EPILEPTIC ENCEPHALOPATHY 2. Last evaluated: 2005-02-01. Review status: no assertion criteria provided. Collection method: literature only. Allele origin: germline. Not counted in ClinVar's aggregate classification.

Literature cited by the submitters: PubMed 15689447 (cited by 4 submitters); PubMed 18790821 (cited by 3 submitters); PubMed 22678952 (cited by 3billion and Labcorp Genetics (formerly Invitae), Labcorp); PubMed 23151060 (cited by RettBASE).